The following is an entry in ClinVar:

NM_033305.3(VPS13A):c.4246dup (p.Ser1416fs)

Gene: VPS13A (vacuolar protein sorting 13 homolog A; plus strand). Cytogenetic location: 9q21.2.
Variant type: Duplication.
Coding change: c.4246dup on transcript NM_033305.3 (MANE Select); coding-DNA position 4246, one base duplicated (T; older notation c.4246dupT).
Protein change: p.Ser1416fs; shifts the reading frame from serine 1416.
Molecular consequence: frameshift variant.
Genome position (GRCh38, 1-based): chr9:77,314,498, T duplicated; the last of 2 consecutive T bases (chr9:77,314,497-77,314,498); duplicating either gives the same sequence. VCF-style (leftmost placement, unchanged base first): chr9-77314496-C-CT. GRCh37 (hg19) VCF-style: chr9-79929412-C-CT.
Other names: c.4246dupT (NM_033305.2); c.4129dup, p.Ser1377fs (NM_001018037.2); c.4246dup, p.Ser1416fs (NM_001018038.3, NM_015186.4); short protein forms S1377fs, S1416fs.
Identifiers: ClinVar variation 1375001 (VCV001375001.9), dbSNP rs2131427489, ClinGen allele CA2573144725.

ClinVar aggregate classification (germline): Pathogenic/Likely pathogenic. Review status: criteria provided, multiple submitters, no conflicts (2 of 4 stars). 3 submissions from 3 submitters: Pathogenic (1); Likely pathogenic (2). Last evaluated 2025-03-24.

Conditions:
VPS13A-related neurodegenerative disease. Also called: VPS13A Disease; LEVINE-CRITCHLEY SYNDROME; Choreoacanthocytosis; Chorea-acanthocytosis; ACANTHOCYTOSIS WITH NEUROLOGIC DISORDER; Choreaacanthocytosis. Identifiers: Orphanet 2388, MedGen C0393576, MONDO:0008695, OMIM 200150.

Submissions (3):

Natera, Inc.
Classification: Likely pathogenic for Choreaacanthocytosis. Last evaluated: 2025-03-24. Review status: criteria provided, single submitter. Criteria: Natera Variant Classification Schema (03/2026). Collection method: clinical testing. Allele origin: germline.
Comment: The c.4246dupT variant in VPS13A is a frameshift variant predicted to shift the reading frame beginning at codon 1416 and leads to a stop codon 7 codons downstream. This variant is expected to result in nonsense mediated decay, truncation, or a dysfunctional protein product. This variant is rare in the general population with a frequency below the threshold expected for the associated phenotype(s). Given the available evidence, this variant is classified as Likely Pathogenic.

Fulgent Genetics
Classification: Likely pathogenic for VPS13A-related neurodegenerative disease. Last evaluated: 2024-05-07. Review status: criteria provided, single submitter. Criteria: ACMG Guidelines, 2015. Collection method: clinical testing. Allele origin: germline.

Labcorp Genetics (formerly Invitae), Labcorp
Classification: Pathogenic. Last evaluated: 2023-12-30. Review status: criteria provided, single submitter. Criteria: Invitae Variant Classification Sherloc (09022015). Collection method: clinical testing. Allele origin: germline.
Comment: This sequence change creates a premature translational stop signal (p.Ser1416Phefs*7) in the VPS13A gene. It is expected to result in an absent or disrupted protein product. Loss-of-function variants in VPS13A are known to be pathogenic (PMID: 12404112, 21598378). This variant is not present in population databases (gnomAD no frequency). This variant has not been reported in the literature in individuals affected with VPS13A-related conditions. ClinVar contains an entry for this variant (Variation ID: 1375001). For these reasons, this variant has been classified as Pathogenic.

Literature cited by the submitters: PubMed 12404112 (cited by Labcorp Genetics (formerly Invitae), Labcorp); PubMed 21598378 (cited by Labcorp Genetics (formerly Invitae), Labcorp).